The following is an entry in ClinVar:

NM_014865.4(NCAPD2):c.2030G>A (p.Arg677His)

Gene: NCAPD2 (non-SMC condensin I complex subunit D2; plus strand). Cytogenetic location: 12p13.31.
Variant type: single nucleotide variant.
Coding change: c.2030G>A on transcript NM_014865.4 (MANE Select); coding-DNA position 2030, G replaced by A.
Protein change: p.Arg677His; replaces arginine 677 with histidine.
Molecular consequence: missense variant.
Genome position (GRCh38, 1-based): chr12:6,522,903, G>A. VCF-style: chr12-6522903-G-A. GRCh37 (hg19) VCF-style: chr12-6632069-G-A.
Other names: short protein forms R677H.
Identifiers: ClinVar variation 3917697 (VCV003917697.2).
Genomic context (GRCh38, chr12:6,522,903, plus strand): 5'-TTGAATTCTTTGTGATGGTCTTCCAATTTGGGGTACCCCAGGCCCTGTTTGGGGTGCGCC[G>A]TATGCTGCCTCTCATCTGGTCTAAGGAGCCTGGTGTCCGGGAAGCCGTGCTTAATGCCTA-3'
Protein context (NP_055680.3, residues 667-687): GVPQALFGVR[Arg677His]MLPLIWSKEP

ClinVar aggregate classification (germline): Uncertain significance. Review status: criteria provided, multiple submitters, no conflicts (2 of 4 stars). 2 submissions from 2 submitters: Uncertain significance (2). Last evaluated 2025-05-14.

Conditions:
Inborn genetic diseases. Identifiers: MedGen C0950123, MeSH D030342.

gnomAD v4.1: 23 of 1,614,176 alleles (0.0014%); highest among the groups gnomAD compares: Admixed American, 0.0067%; no homozygotes.

Submissions (2):

Ambry Genetics
Classification: Uncertain significance for Inborn genetic diseases. Last evaluated: 2025-05-14. Review status: criteria provided, single submitter. Criteria: Ambry Variant Classification Scheme 2023. Collection method: clinical testing. Allele origin: germline.

GeneDx
Classification: Uncertain significance. Last evaluated: 2025-03-13. Review status: criteria provided, single submitter. Criteria: GeneDx Variant Classification Process June 2021. Collection method: clinical testing. Allele origin: germline. Affected: yes.
Comment: In silico analysis supports that this missense variant has a deleterious effect on protein structure/function; Has not been previously published as pathogenic or benign to our knowledge